The following is an entry in ClinVar:

NM_021615.5(CHST6):c.1089dup (p.Glu364Ter)

Gene: CHST6 (carbohydrate sulfotransferase 6; minus strand). Cytogenetic location: 16q23.1.
Variant type: Duplication.
Coding change: c.1089dup on transcript NM_021615.5 (MANE Select); coding-DNA position 1089, one base duplicated (T; older notation c.1089dupT).
Protein change: p.Glu364Ter; replaces glutamic acid 364 with a stop codon.
Molecular consequence: nonsense.
Genome position (GRCh38, 1-based): chr16:75,478,740, A duplicated on the plus strand (T on the coding strand, the reverse complement: CHST6 is on the minus strand). VCF-style (leftmost placement, unchanged base first): chr16-75478739-C-CA. GRCh37 (hg19) VCF-style: chr16-75512637-C-CA.
Other names: c.1089dupT (NM_021615.5); short protein forms E364*.
Identifiers: ClinVar variation 3374957 (VCV003374957.2).
Genomic context (GRCh38, chr16:75,478,739, plus strand): 5'-TGAAGCCGTTCAGGCCTCGTGGCAGCACCAGATCAAGGGCGAGGTTGCGCTGCTCGTCCT[C>CA]AGAGTACACAGGCCGGTAGCCCAGCAGCTGCAGCGCACCAGCGCACAGTTCCTGCACGCG-3'

ClinVar aggregate classification (germline): Conflicting classifications of pathogenicity. Review status: criteria provided, conflicting classifications (1 of 4 stars). 2 submissions from 2 submitters: Likely pathogenic (1); Uncertain significance (1). Last evaluated 2024-09-10.

Conditions:
Macular corneal dystrophy (MCD). Also called: GROENOUW TYPE II CORNEAL DYSTROPHY; Macular corneal dystrophy Type I. Identifiers: Orphanet 98969, MedGen C1636149, MONDO:0009020, OMIM 217800.

Submissions (2):

Women's Health and Genetics/Laboratory Corporation of America, LabCorp
Classification: Uncertain significance. Last evaluated: 2024-09-10. Review status: criteria provided, single submitter. Criteria: LabCorp Variant Classification Summary - May 2015. Collection method: clinical testing. Allele origin: germline.
Comment: Variant summary: CHST6 c.1089dupT (p.Glu364X) results in a premature termination codon in the last exon (exon 3), predicted to cause a truncation of the last 32 amino acids of the encoded protein. The variant allele was found at a frequency of 8e-06 in 250766 control chromosomes. The available data on variant occurrences in the general population are insufficient to allow any conclusion about variant significance. To our knowledge, no occurrence of c.1089dupT in individuals affected with Macular Corneal Dystrophy and no experimental evidence demonstrating its impact on protein function have been reported. Additionally, no overt evidence of other pathogenic variants disrupting the last 32 amino acids have been observed at our laboratory. No submitters have cited clinical-significance assessments for this variant to ClinVar. Based on the evidence outlined above, the variant was classified as uncertain significance.

Fulgent Genetics
Classification: Likely pathogenic for Macular corneal dystrophy. Last evaluated: 2024-03-06. Review status: criteria provided, single submitter. Criteria: ACMG Guidelines, 2015. Collection method: clinical testing. Allele origin: germline.